The following is an entry in ClinVar:

NM_000701.8(ATP1A1):c.1464C>T (p.Tyr488=)

Genes: ATP1A1 (ATPase Na+/K+ transporting subunit alpha 1; plus strand), ATP1A1-AS1 (ATP1A1 antisense RNA 1; minus strand). Cytogenetic location: 1p13.1.
Variant type: single nucleotide variant.
Coding change: c.1464C>T on transcript NM_000701.8 (MANE Select); coding-DNA position 1464, C replaced by T.
Protein change: p.Tyr488=; no amino-acid change (tyrosine 488 retained).
Molecular consequence: synonymous variant. On other transcripts: non-coding transcript variant (1).
Genome position (GRCh38, 1-based): chr1:116,392,985, C>T. VCF-style: chr1-116392985-C-T. GRCh37 (hg19) VCF-style: chr1-116935607-C-T.
Other names: c.1464C>T, p.Tyr488= (NM_001160233.2); c.1371C>T, p.Tyr457= (NM_001160234.2).
Identifiers: ClinVar variation 2639018 (VCV002639018.24), dbSNP rs1320985329, ClinGen allele CA419903135.

ClinVar aggregate classification (germline): Likely benign (1 of 4 stars; one submission).

Submission:

CeGaT Center for Human Genetics Tuebingen
Classification: Likely benign. Last evaluated: 2022-11-01. Review status: criteria provided, single submitter. Criteria: CeGaT Center For Human Genetics Tuebingen Variant Classification Criteria Version 2. Collection method: clinical testing. Allele origin: germline. Affected: yes. Observed: 1 variant allele.
Comment: ATP1A1: PM2:Supporting, BP4, BP7